The following is an entry in ClinVar:

NM_144997.7(FLCN):c.546C>T (p.Leu182=)

Gene: FLCN (folliculin; minus strand). Cytogenetic location: 17p11.2.
Variant type: single nucleotide variant.
Coding change: c.546C>T on transcript NM_144997.7 (MANE Select); coding-DNA position 546, C replaced by T.
Protein change: p.Leu182=; no amino-acid change (leucine 182 retained).
Molecular consequence: synonymous variant.
Genome position (GRCh38, 1-based): chr17:17,223,994, G>A on the plus strand (C>T on the coding strand, the complement: FLCN is on the minus strand). VCF-style: chr17-17223994-G-A. GRCh37 (hg19) VCF-style: chr17-17127308-G-A.
Other names: c.600C>T, p.Leu200= (NM_001353229.2); c.546C>T, p.Leu182= (NM_001353230.2, NM_001353231.2, NM_144606.7).
Identifiers: ClinVar variation 1105294 (VCV001105294.10), dbSNP rs773535830, ClinGen allele CA8416385.

ClinVar aggregate classification (germline): Benign/Likely benign. Review status: criteria provided, multiple submitters, no conflicts (2 of 4 stars). 3 submissions from 3 submitters: Benign (1); Likely benign (2). Last evaluated 2025-09-10.

Conditions:
Hereditary cancer-predisposing syndrome. Also called: Hereditary neoplastic syndrome; Tumor predisposition; Neoplastic Syndromes, Hereditary; Hereditary Cancer Syndrome. Identifiers: Orphanet 140162, MedGen C0027672, MeSH D009386, MONDO:0015356.
Birt-Hogg-Dube syndrome. Also called: Birt Hogg Dubé syndrome. Identifiers: Orphanet 122, MedGen C0346010, MONDO:0800444.
Birt-Hogg-Dube syndrome 1 (BHD1). Also called: FIBROFOLLICULOMAS WITH TRICHODISCOMAS AND ACROCHORDONS. Identifiers: Orphanet 122, MedGen CN375946, MONDO:0800445, OMIM 135150.

Allele frequency attached by ClinVar (database versions not stated): gnomAD 0.00001; gnomAD exomes 0.00001 and 0.00006; TOPMed 0.00001; ExAC 0.00008.
gnomAD v4.1: 22 of 1,613,618 alleles (0.0014%); highest among the groups gnomAD compares: Non-Finnish European, 0.0018%; no homozygotes.

Submissions (3):

Labcorp Genetics (formerly Invitae), Labcorp
Classification: Likely benign for Birt-Hogg-Dube syndrome. Last evaluated: 2025-09-10. Review status: criteria provided, single submitter. Criteria: Invitae Variant Classification Sherloc (09022015). Collection method: clinical testing. Allele origin: germline.

Myriad Genetics, Inc.
Classification: Benign for Birt-Hogg-Dube syndrome 1. Last evaluated: 2024-10-23. Review status: criteria provided, single submitter. Criteria: Myriad Autosomal Dominant, Autosomal Recessive and X-Linked Classification Criteria (2023). Collection method: clinical testing. Allele origin: unknown.
Comment: This variant is considered benign. This variant is a silent/synonymous amino acid change and it is not expected to impact splicing.

Ambry Genetics
Classification: Likely benign for Hereditary cancer-predisposing syndrome. Last evaluated: 2020-11-10. Review status: criteria provided, single submitter. Criteria: Ambry Variant Classification Scheme 2023. Collection method: clinical testing. Allele origin: germline.